The following is an entry in ClinVar:

ClinVar aggregate classification (germline): Conflicting classifications of pathogenicity. Review status: criteria provided, conflicting classifications (1 of 4 stars). 6 submissions from 6 submitters: Uncertain significance (5); Likely benign (1). Last evaluated 2026-06-23.

Conditions:
ARL6-related disorder. Also called: ARL6-related condition.
Retinitis pigmentosa 55 (RP55). Identifiers: Orphanet 791, MedGen C3150808, MONDO:0013312, OMIM 613575.
Bardet-Biedl syndrome 3 (BBS3). Identifiers: Orphanet 110, MedGen C1859564, MONDO:0010832, OMIM 600151.
Bardet-Biedl syndrome 1 (BBS1). Identifiers: MedGen C2936862, MONDO:0008854, OMIM 209900. Disease mechanism: loss of function.
Inborn genetic diseases. Identifiers: MedGen C0950123, MeSH D030342.

Allele frequency attached by ClinVar (database versions not stated): gnomAD exomes 0.00002 and 0.00006; ExAC 0.00007; gnomAD 0.00033 and 0.00037; TOPMed 0.00034; ESP Exome Variant Server 0.00054.
gnomAD v4.1: 85 of 1,613,674 alleles (0.0053%); highest among the groups gnomAD compares: African/African-American, 0.1%; no homozygotes.

Submissions (6):

PreventionGenetics, part of Exact Sciences
Classification: Uncertain significance for ARL6-related condition. Last evaluated: 2026-06-23. Review status: criteria provided, single submitter. Criteria: ACMG Guidelines, 2015. Collection method: clinical testing. Allele origin: germline.
Comment: The ARL6 c.493A>G variant is predicted to result in the amino acid substitution p.Ile165Val. To our knowledge, this variant has not been reported in the literature. This variant is reported in 0.072% of alleles in individuals of African descent in gnomAD, which may be too frequent to be a primary cause of disease. Although we suspect that this variant may be benign, at this time, the clinical significance of this variant is uncertain due to the absence of conclusive functional and genetic evidence.

Labcorp Genetics (formerly Invitae), Labcorp
Classification: Uncertain significance for Retinitis pigmentosa 55; Bardet-Biedl syndrome 3. Last evaluated: 2024-12-02. Review status: criteria provided, single submitter. Criteria: Invitae Variant Classification Sherloc (09022015). Collection method: clinical testing. Allele origin: germline.
Comment: This sequence change replaces isoleucine, which is neutral and non-polar, with valine, which is neutral and non-polar, at codon 165 of the ARL6 protein (p.Ile165Val). This variant is present in population databases (rs146978266, gnomAD 0.07%). This variant has not been reported in the literature in individuals affected with ARL6-related conditions. ClinVar contains an entry for this variant (Variation ID: 840342). An algorithm developed to predict the effect of missense changes on protein structure and function (PolyPhen-2) suggests that this variant¬¨‚Ä†is likely to be tolerated. In summary, the available evidence is currently insufficient to determine the role of this variant in disease. Therefore, it has been classified as a Variant of Uncertain Significance.

Fulgent Genetics
Classification: Uncertain significance for Bardet-Biedl syndrome 1; Bardet-Biedl syndrome 3; Retinitis pigmentosa 55. Last evaluated: 2024-05-11. Review status: criteria provided, single submitter. Criteria: ACMG Guidelines, 2015. Collection method: clinical testing. Allele origin: germline.

Ambry Genetics
Classification: Uncertain significance for Inborn genetic diseases. Last evaluated: 2023-05-15. Review status: criteria provided, single submitter. Criteria: Ambry Variant Classification Scheme 2023. Collection method: clinical testing. Allele origin: germline.

Blueprint Genetics
Classification: Likely benign. Last evaluated: 2022-02-14. Review status: criteria provided, single submitter. Criteria: ACMG Guidelines, 2015. Collection method: clinical testing. Allele origin: germline.

Breakthrough Genomics
Classification: Uncertain significance. Review status: criteria provided, single submitter. Criteria: ACMG Guidelines, 2015. Collection method: not provided. Allele origin: germline. Inheritance: Autosomal recessive inheritance. Affected: yes.

NM_001278293.3(ARL6):c.493A>G (p.Ile165Val)

Gene: ARL6 (ARF like GTPase 6; plus strand). Cytogenetic location: 3q11.2.
Variant type: single nucleotide variant.
Coding change: c.493A>G on transcript NM_001278293.3 (MANE Select); coding-DNA position 493, A replaced by G.
Protein change: p.Ile165Val; replaces isoleucine 165 with valine.
Molecular consequence: missense variant. On other transcripts: non-coding transcript variant (6), intron variant (1).
Genome position (GRCh38, 1-based): chr3:97,791,784, A>G. VCF-style: chr3-97791784-A-G. GRCh37 (hg19) VCF-style: chr3-97510628-A-G.
Other names: c.493A>G, p.Ile165Val (NM_001323513.2, NM_032146.5, NM_177976.3); c.479+3665A>G (NM_001323514.2); c.493A>G (NM_177976.1); short protein forms I165V.
Identifiers: ClinVar variation 840342 (VCV000840342.13), dbSNP rs146978266, ClinGen allele CA2505986.